The following is an entry in ClinVar:

NM_000089.4(COL1A2):c.3130C>T (p.Pro1044Ser)

Gene: COL1A2 (collagen type I alpha 2 chain; plus strand). Cytogenetic location: 7q21.3.
Variant type: single nucleotide variant.
Coding change: c.3130C>T on transcript NM_000089.4 (MANE Select); coding-DNA position 3130, C replaced by T.
Protein change: p.Pro1044Ser; replaces proline 1044 with serine.
Molecular consequence: missense variant.
Genome position (GRCh38, 1-based): chr7:94,427,032, C>T. VCF-style: chr7-94427032-C-T. GRCh37 (hg19) VCF-style: chr7-94056344-C-T.
Other names: short protein forms P1044S.
Identifiers: ClinVar variation 2925965 (VCV002925965.3), dbSNP rs1403102626, ClinGen allele CA368225338.
Genomic context (GRCh38, chr7:94,427,032, plus strand): 5'-CTCTGAAAGTGTGATTTTCCTCTTCTGTCTTTAAAGGGTCACCATGGTGATCAAGGTGCT[C>T]CTGGCTCCGTGGGTCCTGCTGGTCCTAGGGTAGGTGGACTCAAGAGAAGACAGTTCATCT-3'
Protein context (NP_000080.2, residues 1034-1054): IAGHHGDQGA[Pro1044Ser]GSVGPAGPRG

ClinVar aggregate classification (germline): Uncertain significance (1 of 4 stars; one submission).

Conditions:
Osteogenesis imperfecta type I (OI1). Also called: Lobstein disease; OI, TYPE I; OSTEOGENESIS IMPERFECTA TARDA; OSTEOGENESIS IMPERFECTA WITH BLUE SCLERAE; Osteogenesis imperfecta type 1; Lobstein's Disease. Identifiers: Orphanet 216796, Orphanet 666, MedGen C0023931, MONDO:0008146, OMIM 166200. Disease mechanism: loss of function.
Ehlers-Danlos syndrome, classic type, 1 (EDSCL1). Also called: EDS I; EHLERS-DANLOS SYNDROME, GRAVIS TYPE; EHLERS-DANLOS SYNDROME, SEVERE CLASSIC TYPE; Ehlers-Danlos syndrome, type 1; Ehlers-Danlos Syndrome, Classic Type, COL5A1-Related. Identifiers: MedGen C0268335, MONDO:0019567, OMIM 130000.

Allele frequency attached by ClinVar (database versions not stated): gnomAD exomes 0.00001.
gnomAD v4.1: 13 of 1,614,036 alleles (0.00081%); highest among the groups gnomAD compares: East Asian, 0.0022%; no homozygotes.

Submission:

Labcorp Genetics (formerly Invitae), Labcorp
Classification: Uncertain significance for Osteogenesis imperfecta type I; Ehlers-Danlos syndrome, classic type, 1. Last evaluated: 2023-10-13. Review status: criteria provided, single submitter. Criteria: Invitae Variant Classification Sherloc (09022015). Collection method: clinical testing. Allele origin: germline.
Comment: This sequence change replaces proline, which is neutral and non-polar, with serine, which is neutral and polar, at codon 1044 of the COL1A2 protein (p.Pro1044Ser). This variant is present in population databases (no rsID available, gnomAD 0.006%). This variant has not been reported in the literature in individuals affected with COL1A2-related conditions. Advanced modeling of protein sequence and biophysical properties (such as structural, functional, and spatial information, amino acid conservation, physicochemical variation, residue mobility, and thermodynamic stability) performed at Invitae indicates that this missense variant is not expected to disrupt COL1A2 protein function. In summary, the available evidence is currently insufficient to determine the role of this variant in disease. Therefore, it has been classified as a Variant of Uncertain Significance.